The following is an entry in ClinVar:

NM_004343.4(CALR):c.1154_1155insTTGTC (p.Lys385fs)

Gene: CALR (calreticulin; plus strand). Cytogenetic location: 19p13.13.
Variant type: Insertion.
Coding change: c.1154_1155insTTGTC on transcript NM_004343.4 (MANE Select); coding-DNA positions 1154 to 1155, TTGTC inserted.
Protein change: p.Lys385fs; shifts the reading frame from lysine 385.
Molecular consequence: frameshift variant.
Genome position: GRCh38 VCF-style: chr19-12943813-A-ATTGTC. GRCh37 (hg19) VCF-style: chr19-13054627-A-ATTGTC.
Other names: short protein forms K385fs.
Identifiers: ClinVar variation 1028735 (VCV001028735.7), dbSNP rs765476509, ClinGen allele CA9236032.

ClinVar aggregate classification (germline): Pathogenic. Review status: criteria provided, multiple submitters, no conflicts (2 of 4 stars). 5 submissions from 5 submitters: Pathogenic (5). Last evaluated 2026-09-16.

Conditions:
Primary myelofibrosis. Also called: Myelofibrosis, somatic. Identifiers: Orphanet 824, MedGen C0001815, MeSH D055728, MONDO:0009692, OMIM 254450.
Thrombocythemia 1 (THCYT1). Also called: THROMBOCYTOSIS 1; THROMBOCYTHEMIA, SOMATIC. Identifiers: MedGen C3277671, MONDO:0008554, OMIM 187950.
Essential thrombocythemia. Also called: essential thrombocytemia; Suspected essential thromboythemia. Identifiers: Orphanet 3318, MedGen C0040028, MeSH D013920, MONDO:0005029.

Allele frequency attached by ClinVar (database versions not stated): gnomAD 0.00002; TOPMed 0.00002; gnomAD exomes 0.00003; ExAC 0.00008.

Submissions (5):

Dept of Medical Biology, Uskudar University
Classification: Pathogenic for Essential thrombocythemia. Last evaluated: 2026-09-16. Review status: criteria provided, single submitter. Criteria: Dept of Medical Biology Variant Classification. Collection method: research. Allele origin: unknown. Affected: yes. Observed: 9 variant alleles.
Comment: PS3: the CALR type 2 allele (5-bp insertion) generates a mutant carboxy-terminus that confers cytokine-independent growth and MPL-dependent oncogenic transformation in functional studies (PMID:26951227). PS4: recurrently reported in JAK2-unmutated essential thrombocythaemia and primary myelofibrosis (PMID:24325356; PMID:24325359). PM1: located in the exon 9 frameshift hotspot that generates the neomorphic carboxy-terminus. PM2_supporting: rare in gnomAD v4.1 (allele frequency 2.7e-05 in exomes). PP4: carriers were JAK2 V617F-negative and referred for suspected myeloproliferative neoplasm, a phenotype highly specific for CALR-mutated disease. PVS1 not applied: neomorphic gain of function. Classified as pathogenic under the ACMG/AMP 2015 guidelines (PMID:25741868). All carriers in this series had a clinician-assigned diagnosis of essential thrombocythaemia at referral (not re-verified against current diagnostic criteria). Detected in a retrospective series of 256 BCR::ABL1-negative and JAK2 V617F-negative patients referred for molecular investigation of a suspected myeloproliferative neoplasm (May 2007 to January 2015) and re-interpreted under the ACMG/AMP 2015 criteria.

Dasa
Classification: Pathogenic. Last evaluated: 2025-06-16. Review status: criteria provided, single submitter. Criteria: DASA Assertion Criteria. Collection method: clinical testing. Allele origin: germline.
Comment: NM_004343.4(CALR):c.1154_1155insTTGTC (p.Lys385Asnfs*47) is a frameshift variant in CALR predicted to alter the reading frame and introduce a premature termination codon. This variant is rare in population databases. Based on the currently available evidence, this variant is classified as pathogenic.

Centre for Clinical Genetics and Genomic Diagnostics, Zealand University Hospital
Classification: Pathogenic. Last evaluated: 2024-08-13. Review status: criteria provided, single submitter. Criteria: ACMG Guidelines, 2015. Collection method: clinical testing. Allele origin: somatic. Affected: yes.

Baylor Genetics
Classification: Pathogenic for Thrombocythemia 1. Last evaluated: 2020-03-24. Review status: criteria provided, single submitter. Criteria: ACMG Guidelines, 2015. Collection method: clinical testing. Allele origin: unknown. Affected: yes.
Comment: This variant was determined to be pathogenic according to ACMG Guidelines, 2015 [PMID:25741868].

Juno Genomics, Hangzhou Juno Genomics, Inc
Classification: Pathogenic for Primary myelofibrosis; Thrombocythemia 1. Review status: criteria provided, single submitter. Criteria: ACMG Guidelines, 2015. Collection method: clinical testing. Allele origin: germline. Affected: yes.
Comment: Absent from controls (or at extremely low frequency if recessive) in Genome Aggregation Database, Exome Sequencing Project, 1000 Genomes Project, or Exome Aggregation Consortium.;Well-established in vitro or in vivo functional studies supportive of a damaging effect on the gene or gene product.;The prevalence of the variant in affected individuals is significantly increased compared to the prevalence in controls.;Patient's phenotype or family history is highly specific for a disease with a single genetic etiology.

Literature cited by the submitters: PubMed 26951227 (cited by Dept of Medical Biology, Uskudar University); PubMed 24325356 (cited by Dept of Medical Biology, Uskudar University); PubMed 24325359 (cited by Dept of Medical Biology, Uskudar University).